The following is an entry in ClinVar:

NM_024514.5(CYP2R1):c.701G>A (p.Trp234Ter)

Genes: CYP2R1 (cytochrome P450 family 2 subfamily R member 1; minus strand), PDE3B (phosphodiesterase 3B; plus strand). Cytogenetic location: 11p15.2.
Variant type: single nucleotide variant.
Coding change: c.701G>A on transcript NM_024514.5 (MANE Select); coding-DNA position 701, G replaced by A.
Protein change: p.Trp234Ter; replaces tryptophan 234 with a stop codon.
Molecular consequence: nonsense.
Genome position (GRCh38, 1-based): chr11:14,880,435, C>T on the plus strand (G>A on the coding strand, the complement: CYP2R1 is on the minus strand). VCF-style: chr11-14880435-C-T. GRCh37 (hg19) VCF-style: chr11-14901981-C-T.
Other names: c.356G>A, p.Trp119Ter (NM_001377214.1, NM_001377215.1, NM_001377216.1 and 1 more transcripts); c.539G>A, p.Trp180Ter (NM_001377217.1); short protein forms W119*, W180*, W234*.
Identifiers: ClinVar variation 1016554 (VCV001016554.6), dbSNP rs782006425, ClinGen allele CA5896643.

ClinVar aggregate classification (germline): Pathogenic (1 of 4 stars; one submission).

Allele frequency attached by ClinVar (database versions not stated): gnomAD exomes below 0.00001; ExAC 0.00001.
gnomAD v4.1: 3 of 1,613,378 alleles (0.00019%); highest among the groups gnomAD compares: East Asian, 0.0022%; no homozygotes.

Submission:

Labcorp Genetics (formerly Invitae), Labcorp
Classification: Pathogenic. Last evaluated: 2022-09-19. Review status: criteria provided, single submitter. Criteria: Invitae Variant Classification Sherloc (09022015). Collection method: clinical testing. Allele origin: germline.
Comment: For these reasons, this variant has been classified as Pathogenic. Algorithms developed to predict the effect of sequence changes on RNA splicing suggest that this variant may create or strengthen a splice site. ClinVar contains an entry for this variant (Variation ID: 1016554). This variant has not been reported in the literature in individuals affected with CYP2R1-related conditions. This variant is present in population databases (rs782006425, gnomAD 0.003%). This sequence change creates a premature translational stop signal (p.Trp234*) in the CYP2R1 gene. It is expected to result in an absent or disrupted protein product. Loss-of-function variants in CYP2R1 are known to be pathogenic (PMID: 15128933, 22855339, 25942481, 33715104).

Literature cited by the submitters: PubMed 15128933; PubMed 22855339; PubMed 25942481; PubMed 33715104.